The following is an entry in ClinVar:

NM_001009944.3(PKD1):c.8640G>A (p.Ser2880=)

Gene: PKD1 (polycystin 1, transient receptor potential channel interacting; minus strand). Cytogenetic location: 16p13.3.
Variant type: single nucleotide variant.
Coding change: c.8640G>A on transcript NM_001009944.3 (MANE Select); coding-DNA position 8640, G replaced by A.
Protein change: p.Ser2880=; no amino-acid change (serine 2880 retained).
Molecular consequence: synonymous variant.
Genome position (GRCh38, 1-based): chr16:2,103,417, C>T on the plus strand (G>A on the coding strand, the complement: PKD1 is on the minus strand). VCF-style: chr16-2103417-C-T. GRCh37 (hg19) VCF-style: chr16-2153418-C-T.
Other names: p.Ser2880=; c.8640G>A (NM_001009944.2); c.8640G>A, p.Ser2880= (NM_000296.4).
Identifiers: ClinVar variation 586304 (VCV000586304.29), dbSNP rs199988586, ClinGen allele CA7830442.

ClinVar aggregate classification (germline): Benign/Likely benign. Review status: criteria provided, multiple submitters, no conflicts (2 of 4 stars). 5 submissions from 5 submitters: Benign (3); Likely benign (2). Last evaluated 2026-01-20.

Conditions:
PKD1-related disorder. Also called: PKD1-related condition.
Polycystic kidney disease, adult type (PKD1). Also called: Polycystic Kidney, Autosomal Dominant; POLYCYSTIC KIDNEY DISEASE 1 WITH OR WITHOUT POLYCYSTIC LIVER DISEASE; Polycystic Kidney Disease 1, Autosomal Dominant; Polycystic kidney disease 1; Polycystic kidney disease 1, severe; POLYCYSTIC KIDNEY DISEASE, ADULT, TYPE I. Identifiers: MedGen C3149841, MONDO:0008263, OMIM 173900.

Allele frequency attached by ClinVar (database versions not stated): ESP Exome Variant Server 0.00009; gnomAD exomes 0.00010 and 0.00032; gnomAD 0.00014 and 0.00017; TOPMed 0.00021; ExAC 0.00037; 1000 Genomes Project 0.00060; 1000 Genomes Project 30x 0.00062.

Submissions (5):

PreventionGenetics, part of Exact Sciences
Classification: Likely benign for PKD1-related condition. Last evaluated: 2026-01-20. Review status: criteria provided, single submitter. Criteria: ACMG Guidelines, 2015. Collection method: clinical testing. Allele origin: germline.
Comment: This variant is classified as likely benign based on ACMG/AMP sequence variant interpretation guidelines (Richards et al. 2015 PMID: 25741868, with internal and published modifications).

Mayo Clinic Laboratories, Mayo Clinic
Classification: Likely benign. Last evaluated: 2024-12-30. Review status: criteria provided, single submitter. Criteria: ACMG Guidelines, 2015. Collection method: clinical testing. Allele origin: germline. Observed: 2 variant alleles.
Comment: BS1, BP4, BP7

CeGaT Center for Human Genetics Tuebingen
Classification: Benign. Last evaluated: 2022-09-01. Review status: criteria provided, single submitter. Criteria: CeGaT Center For Human Genetics Tuebingen Variant Classification Criteria Version 2. Collection method: clinical testing. Allele origin: germline. Affected: yes. Observed: 1 variant allele.
Comment: PKD1: BS1, BS2

Fulgent Genetics
Classification: Benign for Polycystic kidney disease, adult type. Last evaluated: 2021-09-23. Review status: criteria provided, single submitter. Criteria: ACMG Guidelines, 2015. Collection method: clinical testing. Allele origin: unknown.

Athena Diagnostics
Classification: Benign. Last evaluated: 2018-05-23. Review status: criteria provided, single submitter. Criteria: Athena Diagnostics Criteria. Collection method: clinical testing. Allele origin: germline.